The following is an entry in ClinVar:

ClinVar aggregate classification (germline): Uncertain significance (1 of 4 stars; one submission).

Submission:

GeneDx
Classification: Uncertain significance. Last evaluated: 2019-10-18. Review status: criteria provided, single submitter. Criteria: GeneDx Variant Classification Process June 2021. Collection method: clinical testing. Allele origin: germline. Affected: yes.
Comment: Not observed in large population cohorts (Lek et al., 2016); In silico analysis, which includes protein predictors and evolutionary conservation, supports a deleterious effect; Has not been previously published as pathogenic or benign to our knowledge

NM_021072.4(HCN1):c.680T>C (p.Ile227Thr)

Gene: HCN1 (hyperpolarization activated cyclic nucleotide gated potassium channel 1; minus strand). Cytogenetic location: 5p12.
Variant type: single nucleotide variant.
Coding change: c.680T>C on transcript NM_021072.4 (MANE Select); coding-DNA position 680, T replaced by C.
Protein change: p.Ile227Thr; replaces isoleucine 227 with threonine.
Molecular consequence: missense variant.
Genome position (GRCh38, 1-based): chr5:45,645,354, A>G on the plus strand (T>C on the coding strand, the complement: HCN1 is on the minus strand). VCF-style: chr5-45645354-A-G. GRCh37 (hg19) VCF-style: chr5-45645456-A-G.
Other names: short protein forms I227T.
Identifiers: ClinVar variation 1303114 (VCV001303114.2), dbSNP rs2112032017, ClinGen allele CA359707356.